The following is an entry in ClinVar:

ClinVar aggregate classification (germline): Uncertain significance (1 of 4 stars; one submission).

Allele frequency attached by ClinVar (database versions not stated): gnomAD 0.00001; gnomAD exomes 0.00002.
gnomAD v4.1: 28 of 1,613,940 alleles (0.0017%); highest among the groups gnomAD compares: East Asian, 0.0067%; no homozygotes.

Submission:

Labcorp Genetics (formerly Invitae), Labcorp
Classification: Uncertain significance. Last evaluated: 2021-08-12. Review status: criteria provided, single submitter. Criteria: Invitae Variant Classification Sherloc (09022015). Collection method: clinical testing. Allele origin: germline.
Comment: In summary, the available evidence is currently insufficient to determine the role of this variant in disease. Therefore, it has been classified as a Variant of Uncertain Significance. Algorithms developed to predict the effect of missense changes on protein structure and function (SIFT, PolyPhen-2, Align-GVGD) all suggest that this variant is likely to be tolerated. This variant has not been reported in the literature in individuals affected with RNF168-related conditions. This variant is not present in population databases (ExAC no frequency). This sequence change replaces threonine with alanine at codon 43 of the RNF168 protein (p.Thr43Ala). The threonine residue is highly conserved and there is a small physicochemical difference between threonine and alanine.

NM_152617.4(RNF168):c.127A>G (p.Thr43Ala)

Gene: RNF168 (ring finger protein 168; minus strand). Cytogenetic location: 3q29.
Variant type: single nucleotide variant.
Coding change: c.127A>G on transcript NM_152617.4 (MANE Select); coding-DNA position 127, A replaced by G.
Protein change: p.Thr43Ala; replaces threonine 43 with alanine.
Molecular consequence: missense variant.
Genome position (GRCh38, 1-based): chr3:196,503,047, T>C on the plus strand (A>G on the coding strand, the complement: RNF168 is on the minus strand). VCF-style: chr3-196503047-T-C. GRCh37 (hg19) VCF-style: chr3-196229918-T-C.
Other names: short protein forms T43A.
Identifiers: ClinVar variation 1357304 (VCV001357304.6), dbSNP rs1577527117, ClinGen allele CA355628140.
Genomic context (GRCh38, chr3:196,503,047, plus strand): 5'-GAGTCCACGACGATACCCGGCGGCGACAGAAGGGACAGCATAAACTCGCCTTTTCGACGG[T>C]CGACTGGAAGCACGGTTTACACAGCGTGTGGTTACACGGGAGGGTGACGGGCTCCACGAG-3'
Protein context (NP_689830.2, residues 33-53): HTLCKPCFQS[Thr43Ala]VEKASLCCPF